The following is an entry in ClinVar:

ClinVar aggregate classification (germline): Benign/Likely benign. Review status: criteria provided, multiple submitters, no conflicts (2 of 4 stars). 3 submissions from 3 submitters: Benign (1); Likely benign (2). Last evaluated 2025-12-15.

Conditions:
Spastic paraplegia. Identifiers: MedGen C0037772, HP:0001258.

Allele frequency attached by ClinVar (database versions not stated): gnomAD exomes 0.00001.
gnomAD v4.1: 3 of 1,210,042 alleles (0.00025%); highest among the groups gnomAD compares: Admixed American, 0.0065%; no homozygotes.

Submissions (3):

Women's Health and Genetics/Laboratory Corporation of America, LabCorp
Classification: Likely benign. Last evaluated: 2025-12-15. Review status: criteria provided, single submitter. Criteria: LabCorp Variant Classification Summary - May 2015. Collection method: clinical testing. Allele origin: germline.
Comment: Variant summary: KDM5C c.4317+16A>G alters a nucleotide located at a position not widely known to affect splicing. Consensus agreement among computation tools predict no significant impact on normal splicing. However, these predictions have yet to be confirmed by functional studies. The variant allele was found at a frequency of 1.6e-05 in 183085 control chromosomes. The available data on variant occurrences in the general population are insufficient to allow any conclusion about variant significance. To our knowledge, no occurrence of c.4317+16A>G in individuals affected with KDM5C-related conditions and no experimental evidence demonstrating its impact on protein function have been reported. ClinVar contains an entry for this variant (Variation ID: 2139186). Based on the evidence outlined above, the variant was classified as likely benign.

Labcorp Genetics (formerly Invitae), Labcorp
Classification: Benign for Spastic paraplegia. Last evaluated: 2025-04-27. Review status: criteria provided, single submitter. Criteria: Invitae Variant Classification Sherloc (09022015). Collection method: clinical testing. Allele origin: germline.

Blueprint Genetics
Classification: Likely benign. Last evaluated: 2023-05-08. Review status: criteria provided, single submitter. Criteria: ACMG Guidelines, 2015. Collection method: clinical testing. Allele origin: germline.

NM_004187.5(KDM5C):c.4317+16A>G

Gene: KDM5C (lysine demethylase 5C; minus strand). Cytogenetic location: Xp11.22.
Variant type: single nucleotide variant.
Coding change: c.4317+16A>G on transcript NM_004187.5 (MANE Select); 16 bases into the intron after coding-DNA position 4317, A replaced by G.
Molecular consequence: intron variant.
Genome position (GRCh38, 1-based): chrX:53,193,421, T>C on the plus strand (A>G on the coding strand, the complement: KDM5C is on the minus strand). VCF-style: chrX-53193421-T-C. GRCh37 (hg19) VCF-style: chrX-53222603-T-C.
Other names: c.4305+16A>G (NM_001353982.2); c.4314+16A>G (NM_001353979.2, NM_001282622.3); c.4308+16A>G (NM_001353981.2, NM_001353984.2, NM_001353978.3); c.4046+77A>G (NM_001146702.2).
Identifiers: ClinVar variation 2139186 (VCV002139186.6), dbSNP rs1556832750, ClinGen allele CA641903761.
Genomic context (GRCh38, chrX:53,193,421, plus strand): 5'-GTTGTGGGCCAGTGGTCAGGCCTGGGCTCCCTACTCGGCCTGACCTCCTGGCCCGGCCCA[T>C]GACCCCTCTCCTCACCTCCAGAAGTGTGCGGATCCTCTCCAGGTCTGGGGGCTGTCCAGC-3'